The following is an entry in ClinVar:

ClinVar aggregate classification (germline): Uncertain significance. Review status: criteria provided, multiple submitters, no conflicts (2 of 4 stars). 2 submissions from 2 submitters: Uncertain significance (2). Last evaluated 2024-11-20.

Allele frequency attached by ClinVar (database versions not stated): gnomAD exomes below 0.00001.
gnomAD v4.1: 1 of 1,560,830 alleles (0.000064%); highest among the groups gnomAD compares: South Asian, 0.0012%; no homozygotes.

Submissions (2):

Ambry Genetics
Classification: Uncertain significance. Last evaluated: 2024-11-20. Review status: criteria provided, single submitter. Criteria: Ambry Variant Classification Scheme 2023. Collection method: clinical testing. Allele origin: germline.
Comment: The p.S6T variant (also known as c.17G>C), located in coding exon 1 of the SRP72 gene, results from a G to C substitution at nucleotide position 17. The serine at codon 6 is replaced by threonine, an amino acid with similar properties. This amino acid position is conserved. In addition, this alteration is predicted to be tolerated by in silico analysis. Based on the available evidence, the clinical significance of this variant remains unclear.

Labcorp Genetics (formerly Invitae), Labcorp
Classification: Uncertain significance. Last evaluated: 2024-02-17. Review status: criteria provided, single submitter. Criteria: Invitae Variant Classification Sherloc (09022015). Collection method: clinical testing. Allele origin: germline.
Comment: This sequence change replaces serine, which is neutral and polar, with threonine, which is neutral and polar, at codon 6 of the SRP72 protein (p.Ser6Thr). This variant is present in population databases (no rsID available, gnomAD 0.004%). This variant has not been reported in the literature in individuals affected with SRP72-related conditions. ClinVar contains an entry for this variant (Variation ID: 2001809). Algorithms developed to predict the effect of missense changes on protein structure and function output the following: SIFT: "Not Available"; PolyPhen-2: "Benign"; Align-GVGD: "Not Available". The threonine amino acid residue is found in multiple mammalian species, which suggests that this missense change does not adversely affect protein function. In summary, the available evidence is currently insufficient to determine the role of this variant in disease. Therefore, it has been classified as a Variant of Uncertain Significance.

NM_006947.4(SRP72):c.17G>C (p.Ser6Thr)

Genes: SRP72 (signal recognition particle 72; plus strand), LOC129992625 (ATAC-STARR-seq lymphoblastoid active region 21580; plus strand). Cytogenetic location: 4q12.
Variant type: single nucleotide variant.
Coding change: c.17G>C on transcript NM_006947.4 (MANE Select); coding-DNA position 17, G replaced by C.
Protein change: p.Ser6Thr; replaces serine 6 with threonine.
Molecular consequence: missense variant. On other transcripts: non-coding transcript variant (1).
Genome position (GRCh38, 1-based): chr4:56,467,652, G>C. VCF-style: chr4-56467652-G-C. GRCh37 (hg19) VCF-style: chr4-57333818-G-C.
Other names: c.17G>C (NM_006947.3); c.17G>C, p.Ser6Thr (NM_001267722.2); short protein forms S6T.
Identifiers: ClinVar variation 2001809 (VCV002001809.5), dbSNP rs1473458044, ClinGen allele CA356995540.